The following is an entry in ClinVar:

NM_001458.5(FLNC):c.302C>A (p.Ser101Tyr)

Gene: FLNC (filamin C; plus strand). Cytogenetic location: 7q32.1.
Variant type: single nucleotide variant.
Coding change: c.302C>A on transcript NM_001458.5 (MANE Select); coding-DNA position 302, C replaced by A.
Protein change: p.Ser101Tyr; replaces serine 101 with tyrosine.
Molecular consequence: missense variant.
Genome position (GRCh38, 1-based): chr7:128,830,939, C>A. VCF-style: chr7-128830939-C-A. GRCh37 (hg19) VCF-style: chr7-128470993-C-A.
Other names: c.302C>A, p.Ser101Tyr (NM_001127487.2); short protein forms S101Y.
Identifiers: ClinVar variation 3221716 (VCV003221716.1), dbSNP rs1554396416, ClinGen allele CA369216945.

ClinVar aggregate classification (germline): Uncertain significance (1 of 4 stars; one submission).

Conditions:
Cardiovascular phenotype. Identifiers: MedGen CN230736.

Allele frequency attached by ClinVar (database versions not stated): gnomAD exomes below 0.00001.
gnomAD v4.1: 1 of 1,612,230 alleles (0.000062%); highest among the groups gnomAD compares: Non-Finnish European, 0.000085%; no homozygotes.

Submission:

Ambry Genetics
Classification: Uncertain significance for Cardiovascular phenotype. Last evaluated: 2022-08-30. Review status: criteria provided, single submitter. Criteria: Ambry Variant Classification Scheme 2023. Collection method: clinical testing. Allele origin: germline.
Comment: The p.S101Y variant (also known as c.302C>A), located in coding exon 1 of the FLNC gene, results from a C to A substitution at nucleotide position 302. The serine at codon 101 is replaced by tyrosine, an amino acid with dissimilar properties. This amino acid position is conserved. In addition, the in silico prediction for this alteration is inconclusive. Since supporting evidence is limited at this time, the clinical significance of this alteration remains unclear.